The following is an entry in ClinVar:

NM_000350.3(ABCA4):c.2353C>G (p.Arg785Gly)

Gene: ABCA4 (ATP binding cassette subfamily A member 4; minus strand). Cytogenetic location: 1p22.1.
Variant type: single nucleotide variant.
Coding change: c.2353C>G on transcript NM_000350.3 (MANE Select); coding-DNA position 2353, C replaced by G.
Protein change: p.Arg785Gly; replaces arginine 785 with glycine.
Molecular consequence: missense variant.
Genome position (GRCh38, 1-based): chr1:94,056,630, G>C on the plus strand (C>G on the coding strand, the complement: ABCA4 is on the minus strand). VCF-style: chr1-94056630-G-C. GRCh37 (hg19) VCF-style: chr1-94522186-G-C.
Other names: short protein forms R785G.
Identifiers: ClinVar variation 417985 (VCV000417985.15), dbSNP rs781254854, ClinGen allele CA958296.

ClinVar aggregate classification (germline): Conflicting classifications of pathogenicity. Review status: criteria provided, conflicting classifications (1 of 4 stars). 5 submissions from 5 submitters: Pathogenic (1); Likely pathogenic (2); Uncertain significance (2). Last evaluated 2025-11-23.

Conditions:
ABCA4-related disorder. Also called: ABCA4-related condition; ABCA4-related disorders. Identifiers: MedGen CN239167.
Stargardt disease (FFM). Also called: Stargardt's disease; Fundus flavimaculatus. Identifiers: Orphanet 827, MedGen C0271093, MONDO:0019353.

Allele frequency attached by ClinVar (database versions not stated): TOPMed 0.00010.
gnomAD v4.1: 34 of 1,613,452 alleles (0.0021%); highest among the groups gnomAD compares: Admixed American, 0.055%; no homozygotes.

Submissions (5):

PreventionGenetics, part of Exact Sciences
Classification: Uncertain significance for ABCA4-related condition. Last evaluated: 2025-11-23. Review status: criteria provided, single submitter. Criteria: ACMG Guidelines, 2015. Collection method: clinical testing. Allele origin: germline.
Comment: The ABCA4 c.2353C>G variant is predicted to result in the amino acid substitution p.Arg785Gly. To our knowledge, this variant has not been reported in the literature. This variant is reported in 0.093% of alleles in individuals of Latino descent in gnomAD. A different variant at the same nucleotide position, c,2353C>T, p.(Arg785Cys), has been seen in individuals with retinitis pigmentosa or retinal dystrophies (Table S4, Panneman et al. 2023. PubMed ID: 36819107; Eisenberger et al. 2013. PubMed ID: 24265693). At this time, the clinical significance of the c.2353C>G, p.(Arg785Gly) variant is uncertain due to the absence of conclusive functional and genetic evidence.

Women's Health and Genetics/Laboratory Corporation of America, LabCorp
Classification: Likely pathogenic for Stargardt disease. Last evaluated: 2025-08-15. Review status: criteria provided, single submitter. Criteria: LabCorp Variant Classification Summary - May 2015. Collection method: clinical testing. Allele origin: germline.
Comment: Variant summary: ABCA4 c.2353C>G (p.Arg785Gly) results in a non-conservative amino acid change in the encoded protein sequence. Algorithms developed to predict the effect of missense changes on protein structure and function are either unavailable or do not agree on the potential impact of this missense change. The variant allele was found at a frequency of 0.00013 in 251038 control chromosomes. This frequency is not significantly higher than estimated for a pathogenic variant in ABCA4 causing Stargardt Disease (0.00013 vs 0.0014), allowing no conclusion about variant significance. c.2353C>G has been observed in individual(s) affected with Stargardt Disease (internal_testing). These data indicate that the variant may be associated with disease. To our knowledge, no experimental evidence demonstrating an impact on protein function has been reported. ClinVar contains an entry for this variant (Variation ID: 417985). Based on the evidence outlined above, the variant was classified as likely pathogenic.

Labcorp Genetics (formerly Invitae), Labcorp
Classification: Pathogenic. Last evaluated: 2025-03-27. Review status: criteria provided, single submitter. Criteria: Invitae Variant Classification Sherloc (09022015). Collection method: clinical testing. Allele origin: germline.
Comment: This sequence change replaces arginine, which is basic and polar, with glycine, which is neutral and non-polar, at codon 785 of the ABCA4 protein (p.Arg785Gly). This variant is present in population databases (rs781254854, gnomAD 0.1%). This missense change has been observed in individual(s) with Stargardt disease (internal data). In at least one individual the data is consistent with being in trans (on the opposite chromosome) from a pathogenic variant. ClinVar contains an entry for this variant (Variation ID: 417985). Invitae Evidence Modeling of protein sequence and biophysical properties (such as structural, functional, and spatial information, amino acid conservation, physicochemical variation, residue mobility, and thermodynamic stability) indicates that this missense variant is expected to disrupt ABCA4 protein function with a positive predictive value of 95%. For these reasons, this variant has been classified as Pathogenic.

Blueprint Genetics
Classification: Uncertain significance. Last evaluated: 2021-09-08. Review status: criteria provided, single submitter. Criteria: ACMG Guidelines, 2015. Collection method: clinical testing. Allele origin: germline.

GeneDx
Classification: Likely pathogenic. Last evaluated: 2014-07-07. Review status: criteria provided, single submitter. Criteria: GeneDx Variant Classification (06012015). Collection method: clinical testing. Allele origin: germline. Affected: yes.
Comment: This variant has not been published as pathogenic, nor has it been reported as a benign polymorphism to our knowledge. The R785G variant was not observed in approximately 6,500 individuals of European and African American ancestry in an external variant database, indicating it is not a common benign variant in these populations. The R785G variant is a non-conservative amino acid substitution, which is likely to impact secondary protein structure as these residues differ in polarity, charge, size and/or other properties. This substitution occurs at a position that is moderately conserved. In silico analysis is inconsistent in its predictions as to whether or not the variant is damaging to the protein structure/function. Missense variants in this residue and a nearby residue (R785C, S795R) have been reported in the Human Gene Mutation Database in association with ABCA4-related disorders (Stenson et al., 2009), supporting the functional importance of this region of the protein. Therefore, this variant is a strong candidate for a pathogenic variant, however the possibility that it is a benign variant cannot be excluded.